The following is an entry in ClinVar:

ClinVar aggregate classification (germline): Uncertain significance (1 of 4 stars; one submission).

Conditions:
Aicardi-Goutieres syndrome 5. Identifiers: Orphanet 51, MedGen C2749659, MONDO:0013059, OMIM 612952.

Allele frequency attached by ClinVar (database versions not stated): ExAC 0.00001; TOPMed 0.00003; gnomAD 0.00005.
gnomAD v4.1: 9 of 1,614,126 alleles (0.00056%); highest among the groups gnomAD compares: African/African-American, 0.011%; no homozygotes.

Submission:

Labcorp Genetics (formerly Invitae), Labcorp
Classification: Uncertain significance for Aicardi-Goutieres syndrome 5. Last evaluated: 2024-10-24. Review status: criteria provided, single submitter. Criteria: Invitae Variant Classification Sherloc (09022015). Collection method: clinical testing. Allele origin: germline.
Comment: This sequence change replaces lysine, which is basic and polar, with asparagine, which is neutral and polar, at codon 544 of the SAMHD1 protein (p.Lys544Asn). This variant is present in population databases (rs774073826, gnomAD 0.008%). This variant has not been reported in the literature in individuals affected with SAMHD1-related conditions. ClinVar contains an entry for this variant (Variation ID: 2162258). Invitae Evidence Modeling of protein sequence and biophysical properties (such as structural, functional, and spatial information, amino acid conservation, physicochemical variation, residue mobility, and thermodynamic stability) indicates that this missense variant is not expected to disrupt SAMHD1 protein function with a negative predictive value of 95%. In summary, the available evidence is currently insufficient to determine the role of this variant in disease. Therefore, it has been classified as a Variant of Uncertain Significance.

NM_015474.4(SAMHD1):c.1632A>C (p.Lys544Asn)

Gene: SAMHD1 (SAM and HD domain containing deoxynucleoside triphosphate triphosphohydrolase 1; minus strand). Cytogenetic location: 20q11.23.
Variant type: single nucleotide variant.
Coding change: c.1632A>C on transcript NM_015474.4 (MANE Select); coding-DNA position 1632, A replaced by C.
Protein change: p.Lys544Asn; replaces lysine 544 with asparagine.
Molecular consequence: missense variant.
Genome position (GRCh38, 1-based): chr20:36,897,936, T>G on the plus strand (A>C on the coding strand, the complement: SAMHD1 is on the minus strand). VCF-style: chr20-36897936-T-G. GRCh37 (hg19) VCF-style: chr20-35526339-T-G.
Other names: c.1527A>C, p.Lys509Asn (NM_001363729.2); c.1632A>C, p.Lys544Asn (NM_001363733.2); short protein forms K509N, K544N.
Identifiers: ClinVar variation 2162258 (VCV002162258.4), dbSNP rs774073826, ClinGen allele CA9844447.